The following is an entry in ClinVar:

NM_001478.5(B4GALNT1):c.1513C>T (p.Arg505Cys)

Gene: B4GALNT1 (beta-1,4-N-acetyl-galactosaminyltransferase 1; minus strand). Cytogenetic location: 12q13.3.
Variant type: single nucleotide variant.
Coding change: c.1513C>T on transcript NM_001478.5 (MANE Select); coding-DNA position 1513, C replaced by T.
Protein change: p.Arg505Cys; replaces arginine 505 with cysteine.
Molecular consequence: missense variant.
Genome position (GRCh38, 1-based): chr12:57,626,833, G>A on the plus strand (C>T on the coding strand, the complement: B4GALNT1 is on the minus strand). VCF-style: chr12-57626833-G-A. GRCh37 (hg19) VCF-style: chr12-58020616-G-A.
Other names: c.1348C>T, p.Arg450Cys (NM_001276468.2); short protein forms R450C, R505C.
Identifiers: ClinVar variation 989144 (VCV000989144.3), dbSNP rs1884842111, ClinGen allele CA385573224.

ClinVar aggregate classification (germline): Pathogenic/Likely pathogenic. Review status: criteria provided, multiple submitters, no conflicts (2 of 4 stars). 3 submissions from 3 submitters: Pathogenic (2); Likely pathogenic (1). Last evaluated 2025-11-05.

Conditions:
Hereditary spastic paraplegia 26 (SPG26). Also called: SPASTIC PARAPLEGIA 26, AUTOSOMAL RECESSIVE. Identifiers: Orphanet 101006, MedGen C1836632, MONDO:0012213, OMIM 609195.
Spastic paraparesis. Identifiers: MedGen C0037771, HP:0002313.

Allele frequency attached by ClinVar (database versions not stated): TOPMed below 0.00001; gnomAD exomes below 0.00001.
gnomAD v4.1: 1 of 1,614,206 alleles (0.000062%); highest among the groups gnomAD compares: Non-Finnish European, 0.000085%; no homozygotes.

Submissions (3):

3billion
Classification: Pathogenic for Hereditary spastic paraplegia 26. Last evaluated: 2025-11-05. Review status: criteria provided, single submitter. Criteria: ACMG Guidelines, 2015. Collection method: clinical testing. Allele origin: germline. Affected: yes.
Comment: The variant is observed at an extremely low frequency in the gnomAD v4.1.0 dataset (total allele frequency: <0.001%). Predicted Consequence/Location: Missense variant. The majority of the known disease-causing variants of this gene are variants expected to result in premature termination of the protein. In silico tool predictions suggest damaging effect of the variant on gene or gene product [REVEL: 0.63 (>=0.6, sensitivity 0.68 and specificity 0.92); 3Cnet: 0.86 (> 0.75, sensitivity 0.96 and precision 0.92)]. The same nucleotide change resulting in the same amino acid change has been previously reported as pathogenic/likely pathogenic with strong evidence (ClinVar ID: VCV000989144 / PMID: 34983064). A different missense change at the same codon (p.Arg505His) has been reported to be associated with B4GALNT1-related disorder (ClinVar ID: VCV001074269 /PMID: 24103911). Therefore, this variant is classified as Pathogenic according to the recommendation of ACMG/AMP guideline.

Clinical Genetics Laboratory, Skane University Hospital Lund
Classification: Likely pathogenic for Spastic paraparesis. Last evaluated: 2024-10-23. Review status: criteria provided, single submitter. Criteria: ACMG Guidelines, 2015. Collection method: clinical testing. Allele origin: germline. Affected: yes.
Comment: ACMG criteria used: PS4_Moderate, PM2, PM3_Supporting, PM5

Paris Brain Institute, Inserm - ICM
Classification: Pathogenic for Hereditary spastic paraplegia 26. Review status: criteria provided, single submitter. Criteria: ACMG Guidelines, 2015. Collection method: clinical testing. Allele origin: unknown. Affected: yes. Observed: 1 variant allele.

Literature cited by the submitters: PubMed 24103911 (cited by 3billion); PubMed 34983064 (cited by 3billion).